The following is an entry in ClinVar:

NM_000069.3(CACNA1S):c.1290G>A (p.Lys430=)

Gene: CACNA1S (calcium voltage-gated channel subunit alpha1 S; minus strand). Cytogenetic location: 1q32.1.
Variant type: single nucleotide variant.
Coding change: c.1290G>A on transcript NM_000069.3 (MANE Select); coding-DNA position 1290, G replaced by A.
Protein change: p.Lys430=; no amino-acid change (lysine 430 retained).
Molecular consequence: synonymous variant.
Genome position (GRCh38, 1-based): chr1:201,083,265, C>T on the plus strand (G>A on the coding strand, the complement: CACNA1S is on the minus strand). VCF-style: chr1-201083265-C-T. GRCh37 (hg19) VCF-style: chr1-201052393-C-T.
Identifiers: ClinVar variation 511684 (VCV000511684.8), dbSNP rs1241905770, ClinGen allele CA422691707.
Genomic context (GRCh38, chr1:201,083,265, plus strand): 5'-GGCGATAGACAGGGTGTTGAGGGCAACGATGAGAATCACCAGCCAATAGAAGACCTTGGA[C>T]TTCACGATGTCATGGCACTTCCAGCGAAAGATGCGGTTCCACTGCCTCCAATGTCGGCTG-3'
Protein context (NP_000060.2, residues 420-440): IFRWKCHDIV[Lys430=]SKVFYWLVIL

ClinVar aggregate classification (germline): Conflicting classifications of pathogenicity. Review status: criteria provided, conflicting classifications (1 of 4 stars). 7 submissions from 4 submitters: Uncertain significance (1); Likely benign (6). Last evaluated 2024-06-26.

Conditions:
Thyrotoxic periodic paralysis, susceptibility to, 1 (TTPP1). Identifiers: Orphanet 79102, MedGen C2749982, MONDO:0008570, OMIM 188580.
Hypokalemic periodic paralysis, type 1. Also called: HypoPP; Hypokalemic Periodic Paralysis Type 1 (AD). Identifiers: Orphanet 681, MedGen C3714580, MONDO:0042979, OMIM 170400.
Malignant hyperthermia, susceptibility to, 5 (MHS5). Also called: CACNA1S-Related Malignant Hyperthermia Susceptibility. Identifiers: Orphanet 423, MedGen C1866077, MONDO:0011163, OMIM 601887.
Congenital myopathy 18. Also called: Myopathy, congenital, due to dihydropyridine receptor defect; DIHYDROPYRIDINE RECEPTOR CONGENITAL MYOPATHY; DHPR CONGENITAL MYOPATHY. Identifiers: MedGen C5830283, MONDO:0859514, OMIM 620246.

Allele frequency attached by ClinVar (database versions not stated): TOPMed 0.00002; gnomAD 0.00003.
gnomAD v4.1: 8 of 1,614,116 alleles (0.0005%); highest among the groups gnomAD compares: African/African-American, 0.004%; no homozygotes.

Submissions (7):

Labcorp Genetics (formerly Invitae), Labcorp
Classification: Likely benign for Hypokalemic periodic paralysis, type 1; Malignant hyperthermia, susceptibility to, 5. Last evaluated: 2024-06-26. Review status: criteria provided, single submitter. Criteria: Invitae Variant Classification Sherloc (09022015). Collection method: clinical testing. Allele origin: germline.

All of Us Research Program, National Institutes of Health
Classification: Uncertain significance for Malignant hyperthermia, susceptibility to, 5. Last evaluated: 2023-05-04. Review status: criteria provided, single submitter. Criteria: ACMG Guidelines, 2015. Collection method: clinical testing. Allele origin: germline. Inheritance: Autosomal dominant inheritance. Observed: 1 variant allele, 1 heterozygote.
Comment: This variant is located in the CACNA1S protein. To our knowledge, functional studies have not been reported for this variant. This variant has not been reported in individuals affected with CACNA1S-related disorders in the literature. This variant has been identified in 1/31410 chromosomes in the general population by the Genome Aggregation Database (gnomAD). The available evidence is insufficient to determine the role of this variant in disease conclusively. Therefore, this variant is classified as a Variant of Uncertain Significance.

This study involves interpretation of variants in research participants for the purpose of population health screening. Participant phenotype was not available at the time of variant classification. Additional details can be found in publication PMID: 35346344, PMCID: PMC8962531

Genome-Nilou Lab
Classification: Likely benign for Malignant hyperthermia, susceptibility to, 5. Last evaluated: 2023-04-11. Review status: criteria provided, single submitter. Criteria: ACMG Guidelines, 2015. Collection method: clinical testing. Allele origin: germline. Affected: no.

Genome-Nilou Lab
Classification: Likely benign for Thyrotoxic periodic paralysis, susceptibility to, 1. Last evaluated: 2023-04-11. Review status: criteria provided, single submitter. Criteria: ACMG Guidelines, 2015. Collection method: clinical testing. Allele origin: germline. Affected: no.

Genome-Nilou Lab
Classification: Likely benign for Congenital myopathy 18. Last evaluated: 2023-04-11. Review status: criteria provided, single submitter. Criteria: ACMG Guidelines, 2015. Collection method: clinical testing. Allele origin: germline. Affected: no.

Genome-Nilou Lab
Classification: Likely benign for Hypokalemic periodic paralysis, type 1. Last evaluated: 2023-04-11. Review status: criteria provided, single submitter. Criteria: ACMG Guidelines, 2015. Collection method: clinical testing. Allele origin: germline. Affected: no.

GeneDx
Classification: Likely benign. Last evaluated: 2017-08-23. Review status: criteria provided, single submitter. Criteria: GeneDx Variant Classification (06012015). Collection method: clinical testing. Allele origin: germline. Affected: yes.
Comment: This variant is considered likely benign or benign based on one or more of the following criteria: it is a conservative change, it occurs at a poorly conserved position in the protein, it is predicted to be benign by multiple in silico algorithms, and/or has population frequency not consistent with disease.